The following is an entry in ClinVar:

ClinVar aggregate classification (germline): Uncertain significance. Review status: criteria provided, multiple submitters, no conflicts (2 of 4 stars). 2 submissions from 2 submitters: Uncertain significance (2). Last evaluated 2025-06-21.

Conditions:
Acute myeloid leukemia (AML). Also called: Leukemia, acute myeloid, somatic; Leukemia, acute myelogenous, somatic; Acute myeloid leukemia, adult; AML adult; Acute non-lymphocytic leukemia; Acute granulocytic leukemia. Identifiers: Orphanet 519, MedGen C0023467, MeSH D015470, MONDO:0018874, OMIM 601626, HP:0004808. Disease mechanism: Constitutively activated FLT3.
Inborn genetic diseases. Identifiers: MedGen C0950123, MeSH D030342.

Submissions (2):

Ambry Genetics
Classification: Uncertain significance for Inborn genetic diseases. Last evaluated: 2025-06-21. Review status: criteria provided, single submitter. Criteria: Ambry Variant Classification Scheme 2023. Collection method: clinical testing. Allele origin: germline.
Comment: The p.H200D variant (also known as c.598C>G), located in coding exon 1 of the CEBPA gene, results from a C to G substitution at nucleotide position 598. The histidine at codon 200 is replaced by aspartic acid, an amino acid with similar properties. This amino acid position is conserved. In addition, this alteration is predicted to be tolerated by in silico analysis. Based on the available evidence, the clinical significance of this variant remains unclear.

Labcorp Genetics (formerly Invitae), Labcorp
Classification: Uncertain significance for Acute myeloid leukemia. Last evaluated: 2021-04-14. Review status: criteria provided, single submitter. Criteria: Invitae Variant Classification Sherloc (09022015). Collection method: clinical testing. Allele origin: germline.
Comment: This sequence change replaces histidine with aspartic acid at codon 200 of the CEBPA protein (p.His200Asp). The histidine residue is weakly conserved and there is a moderate physicochemical difference between histidine and aspartic acid. Algorithms developed to predict the effect of missense changes on protein structure and function (SIFT, PolyPhen-2, Align-GVGD) all suggest that this variant is likely to be tolerated, but these predictions have not been confirmed by published functional studies and their clinical significance is uncertain. In summary, the available evidence is currently insufficient to determine the role of this variant in disease. Therefore, it has been classified as a Variant of Uncertain Significance. This variant has not been reported in the literature in individuals with CEBPA-related conditions. The frequency data for this variant in the population databases is considered unreliable, as metrics indicate insufficient coverage at this position in the ExAC database.

NM_004364.5(CEBPA):c.598C>G (p.His200Asp)

Gene: CEBPA (CCAAT enhancer binding protein alpha; minus strand). Cytogenetic location: 19q13.11.
Variant type: single nucleotide variant.
Coding change: c.598C>G on transcript NM_004364.5 (MANE Select); coding-DNA position 598, C replaced by G.
Protein change: p.His200Asp; replaces histidine 200 with aspartic acid.
Molecular consequence: missense variant.
Genome position (GRCh38, 1-based): chr19:33,301,817, G>C on the plus strand (C>G on the coding strand, the complement: CEBPA is on the minus strand). VCF-style: chr19-33301817-G-C. GRCh37 (hg19) VCF-style: chr19-33792723-G-C.
Other names: c.241C>G, p.His81Asp (NM_001285829.2); c.703C>G, p.His235Asp (NM_001287424.2); c.556C>G, p.His186Asp (NM_001287435.2); c.598C>G (NM_004364.3); short protein forms H200D, H186D, H235D, H81D.
Identifiers: ClinVar variation 1484238 (VCV001484238.9), dbSNP rs2145261016, ClinGen allele CA405274612.